The following is an entry in ClinVar:

NM_001367624.2(ZNF469):c.5558A>G (p.Glu1853Gly)

Gene: ZNF469 (zinc finger protein 469; plus strand). Cytogenetic location: 16q24.2.
Variant type: single nucleotide variant.
Coding change: c.5558A>G on transcript NM_001367624.2 (MANE Select); coding-DNA position 5558, A replaced by G.
Protein change: p.Glu1853Gly; replaces glutamic acid 1853 with glycine.
Molecular consequence: missense variant.
Genome position (GRCh38, 1-based): chr16:88,433,028, A>G. VCF-style: chr16-88433028-A-G. GRCh37 (hg19) VCF-style: chr16-88499436-A-G.
Other names: NM_001127464.1:c.5474A>G; NM_001127464.2:c.5474A>G; short protein forms E1853G.
Identifiers: ClinVar variation 1747758 (VCV001747758.6), dbSNP rs563324563, ClinGen allele CA8225088.

ClinVar aggregate classification (germline): Conflicting classifications of pathogenicity. Review status: criteria provided, conflicting classifications (1 of 4 stars). 4 submissions from 4 submitters: Uncertain significance (3); Likely benign (1). Last evaluated 2026-05-11.

Conditions:
ZNF469-related disorder. Also called: ZNF469-related condition.
Cardiovascular phenotype. Identifiers: MedGen CN230736.

Allele frequency attached by ClinVar (database versions not stated): gnomAD exomes 0.00002; ExAC 0.00012; TOPMed 0.00020; gnomAD 0.00023; 1000 Genomes Project 0.00040; 1000 Genomes Project 30x 0.00047.
gnomAD v4.1: 66 of 1,550,272 alleles (0.0043%); highest among the groups gnomAD compares: African/African-American, 0.083%; 1 homozygote.

Submissions (4):

PreventionGenetics, part of Exact Sciences
Classification: Uncertain significance for ZNF469-related condition. Last evaluated: 2026-05-11. Review status: criteria provided, single submitter. Criteria: ACMG Guidelines, 2015. Collection method: clinical testing. Allele origin: germline.
Comment: The ZNF469 c.5474A>G variant is predicted to result in the amino acid substitution p.Glu1825Gly. To our knowledge, this variant has not been reported in the literature. This variant is reported in 0.080% of alleles in individuals of African descent in gnomAD. Although we suspect that this variant may be benign, at this time, the clinical significance of this variant is uncertain due to the absence of conclusive functional and genetic evidence.

Women's Health and Genetics/Laboratory Corporation of America, LabCorp
Classification: Uncertain significance. Last evaluated: 2026-04-01. Review status: criteria provided, single submitter. Criteria: LabCorp Variant Classification Summary - May 2015. Collection method: clinical testing. Allele origin: germline.
Comment: Variant summary: ZNF469 c.5558A>G (p.Glu1853Gly) results in a non-conservative amino acid change in the encoded protein sequence. Algorithms developed to predict the effect of missense changes on protein structure and function are either unavailable or do not agree on the potential impact of this missense change. The variant allele was found at a frequency of 3.9e-05 in 152116 control chromosomes. The available data on variant occurrences in the general population are insufficient to allow any conclusion about variant significance. To our knowledge, no occurrence of c.5558A>G in individuals affected with ZNF469-related conditions and no experimental evidence demonstrating its impact on protein function have been reported. ClinVar contains an entry for this variant (Variation ID: 1747758). Based on the evidence outlined above, the variant was classified as uncertain significance.

Labcorp Genetics (formerly Invitae), Labcorp
Classification: Uncertain significance. Last evaluated: 2022-09-16. Review status: criteria provided, single submitter. Criteria: Invitae Variant Classification Sherloc (09022015). Collection method: clinical testing. Allele origin: germline.
Comment: This sequence change replaces glutamic acid, which is acidic and polar, with glycine, which is neutral and non-polar, at codon 1825 of the ZNF469 protein (p.Glu1825Gly). This variant is present in population databases (rs563324563, gnomAD 0.09%). This variant has not been reported in the literature in individuals affected with ZNF469-related conditions. Algorithms developed to predict the effect of missense changes on protein structure and function are either unavailable or do not agree on the potential impact of this missense change (SIFT: "Deleterious"; PolyPhen-2: "Possibly Damaging"; Align-GVGD: "Class C0"). In summary, the available evidence is currently insufficient to determine the role of this variant in disease. Therefore, it has been classified as a Variant of Uncertain Significance.

Ambry Genetics
Classification: Likely benign for Cardiovascular phenotype. Last evaluated: 2021-10-05. Review status: criteria provided, single submitter. Criteria: Ambry Variant Classification Scheme 2023. Collection method: clinical testing. Allele origin: germline.